The following is an entry in ClinVar:

NM_014714.4(IFT140):c.1145C>T (p.Thr382Met)

Genes: IFT140 (intraflagellar transport 140; minus strand), LOC105371046 (uncharacterized LOC105371046; plus strand). Cytogenetic location: 16p13.3.
Variant type: single nucleotide variant.
Coding change: c.1145C>T on transcript NM_014714.4 (MANE Select); coding-DNA position 1145, C replaced by T.
Protein change: p.Thr382Met; replaces threonine 382 with methionine.
Molecular consequence: missense variant.
Genome position (GRCh38, 1-based): chr16:1,586,140, G>A on the plus strand (C>T on the coding strand, the complement: IFT140 is on the minus strand). VCF-style: chr16-1586140-G-A. GRCh37 (hg19) VCF-style: chr16-1636141-G-A.
Other names: c.1145C>T (NM_014714.3); short protein forms T382M.
Identifiers: ClinVar variation 1019852 (VCV001019852.8), dbSNP rs780000949, ClinGen allele CA7814426.
Genomic context (GRCh38, chr16:1,586,140, plus strand): 5'-ACTTTCATGCAGCAGAAAATGAGTGCACCGAACACCCTTGGAGGCTGTACCTGGATTTGC[G>A]TGATGTTTCCTTGGAGCTCGGTAGGGGTCTGAAGGGCCCACCTGTCCTTGCCCTCTGCCC-3'
Protein context (NP_055529.2, residues 372-392): QTPTELQGNI[Thr382Met]QIQWGSRKNL

ClinVar aggregate classification (germline): Uncertain significance. Review status: criteria provided, multiple submitters, no conflicts (2 of 4 stars). 3 submissions from 3 submitters: Uncertain significance (3). Last evaluated 2024-06-12.

Conditions:
Inborn genetic diseases. Identifiers: MedGen C0950123, MeSH D030342.
Saldino-Mainzer syndrome (SRTD9). Also called: CONORENAL SYNDROME; Renal dysplasia, retinal pigmentary dystrophy, cerebellar ataxia and skeletal dysplasia; short-rib thoracic dysplasia 9 with or without polydactyly; SHORT-RIB THORACIC DYSPLASIA 9 WITHOUT POLYDACTYLY. Identifiers: Orphanet 140969, MedGen C1849437, MONDO:0009964, OMIM 266920.
Retinitis pigmentosa 80 (RP80). Identifiers: MedGen C4540439, MONDO:0054708, OMIM 617781.

Allele frequency attached by ClinVar (database versions not stated): ExAC 0.00001; gnomAD exomes 0.00001 and 0.00002; TOPMed 0.00002; gnomAD 0.00003.

Submissions (3):

Fulgent Genetics
Classification: Uncertain significance for Saldino-Mainzer syndrome; Retinitis pigmentosa 80. Last evaluated: 2024-06-12. Review status: criteria provided, single submitter. Criteria: ACMG Guidelines, 2015. Collection method: clinical testing. Allele origin: germline.

Ambry Genetics
Classification: Uncertain significance for Inborn genetic diseases. Last evaluated: 2024-03-18. Review status: criteria provided, single submitter. Criteria: Ambry Variant Classification Scheme 2023. Collection method: clinical testing. Allele origin: germline.

Labcorp Genetics (formerly Invitae), Labcorp
Classification: Uncertain significance for Saldino-Mainzer syndrome. Last evaluated: 2024-02-17. Review status: criteria provided, single submitter. Criteria: Invitae Variant Classification Sherloc (09022015). Collection method: clinical testing. Allele origin: germline.
Comment: This sequence change replaces threonine, which is neutral and polar, with methionine, which is neutral and non-polar, at codon 382 of the IFT140 protein (p.Thr382Met). This variant is present in population databases (rs780000949, gnomAD 0.008%). This variant has not been reported in the literature in individuals affected with IFT140-related conditions. ClinVar contains an entry for this variant (Variation ID: 1019852). Advanced modeling of protein sequence and biophysical properties (such as structural, functional, and spatial information, amino acid conservation, physicochemical variation, residue mobility, and thermodynamic stability) performed at Invitae indicates that this missense variant is not expected to disrupt IFT140 protein function with a negative predictive value of 95%. In summary, the available evidence is currently insufficient to determine the role of this variant in disease. Therefore, it has been classified as a Variant of Uncertain Significance.